The following is an entry in ClinVar:

NM_001379029.1(CERT1):c.871T>C (p.Tyr291His)

Gene: CERT1 (ceramide transporter 1; minus strand). Cytogenetic location: 5q13.3.
Variant type: single nucleotide variant.
Coding change: c.871T>C on transcript NM_001379029.1 (MANE Select); coding-DNA position 871, T replaced by C.
Protein change: p.Tyr291His; replaces tyrosine 291 with histidine.
Molecular consequence: missense variant.
Genome position (GRCh38, 1-based): chr5:75,411,070, A>G on the plus strand (T>C on the coding strand, the complement: CERT1 is on the minus strand). VCF-style: chr5-75411070-A-G. GRCh37 (hg19) VCF-style: chr5-74706895-A-G.
Other names: c.1255T>C, p.Tyr419His (NM_001130105.1); c.871T>C, p.Tyr291His (NM_001379002.1, NM_001379003.1, NM_001379004.1 and 2 more transcripts); short protein forms Y291H, Y419H.
Identifiers: ClinVar variation 3063729 (VCV003063729.1), dbSNP rs2479056353, ClinGen allele CA360148966.

ClinVar aggregate classification (germline): Uncertain significance (1 of 4 stars; one submission).

Allele frequency attached by ClinVar (database versions not stated): gnomAD exomes below 0.00001.
gnomAD v4.1: 2 of 1,593,422 alleles (0.00013%); highest among the groups gnomAD compares: Non-Finnish European, 0.00017%; no homozygotes.

Submission:

Women's Health and Genetics/Laboratory Corporation of America, LabCorp
Classification: Uncertain significance. Last evaluated: 2024-01-31. Review status: criteria provided, single submitter. Criteria: LabCorp Variant Classification Summary - May 2015. Collection method: clinical testing. Allele origin: germline.
Comment: Variant summary: COL4A3BP c.1255T>C (p.Tyr419His) results in a conservative amino acid change located in the START domain (IPR002913) of the encoded protein sequence. Three of five in-silico tools predict a benign effect of the variant on protein function. The frequency data for this variant in gnomAD is considered unreliable, as metrics indicate poor data quality at this position. To our knowledge, no occurrence of c.1255T>C in individuals affected with Intellectual Disability, Autosomal Dominant 34 and no experimental evidence demonstrating its impact on protein function have been reported. No submitters have cited clinical-significance assessments for this variant to ClinVar. Based on the evidence outlined above, the variant was classified as uncertain significance.